The following is an entry in ClinVar:

ClinVar aggregate classification (germline): Likely pathogenic (1 of 4 stars; one submission).

Conditions:
Hepatic veno-occlusive disease-immunodeficiency syndrome. Also called: Hepatic Veno-Occlusive Disease with Immunodeficiency. Identifiers: Orphanet 79124, MedGen C1856128, MONDO:0009338, OMIM 235550. Disease mechanism: loss of function.

gnomAD v4.1: 1 of 1,586,482 alleles (0.000063%); highest among the groups gnomAD compares: Admixed American, 0.0017%; no homozygotes.

Submission:

Labcorp Genetics (formerly Invitae), Labcorp
Classification: Likely pathogenic for Hepatic veno-occlusive disease-immunodeficiency syndrome. Last evaluated: 2025-09-04. Review status: criteria provided, single submitter. Criteria: Invitae Variant Classification Sherloc (09022015). Collection method: clinical testing. Allele origin: germline.
Comment: This sequence change affects a donor splice site in intron 13 of the SP110 gene. It is expected to disrupt RNA splicing. Variants that disrupt the donor or acceptor splice site typically lead to a loss of protein function (PMID: 16199547), and loss-of-function variants in SP110 are known to be pathogenic (PMID: 16648851, 22621957). This variant is not present in population databases (gnomAD no frequency). This variant has not been reported in the literature in individuals affected with SP110-related conditions. Algorithms developed to predict the effect of sequence changes on RNA splicing suggest that this variant may disrupt the consensus splice site. In summary, the currently available evidence indicates that the variant is pathogenic, but additional data are needed to prove that conclusively. Therefore, this variant has been classified as Likely Pathogenic.

Literature cited by the submitters: PubMed 16199547; PubMed 16648851; PubMed 22621957.

NM_080424.4(SP110):c.1447+1G>C

Gene: SP110 (SP110 nuclear body protein; minus strand). Cytogenetic location: 2q37.1.
Variant type: single nucleotide variant.
Coding change: c.1447+1G>C on transcript NM_080424.4 (MANE Select); the canonical splice donor site of the intron after coding-DNA position 1447, G replaced by C.
Molecular consequence: splice donor variant.
Genome position (GRCh38, 1-based): chr2:230,178,156, C>G on the plus strand (G>C on the coding strand, the complement: SP110 is on the minus strand). VCF-style: chr2-230178156-C-G. GRCh37 (hg19) VCF-style: chr2-231042872-C-G.
Other names: c.1465+1G>C (NM_001378446.1, NM_001378445.1, NM_001378442.1 and 2 more transcripts); c.1447+1G>C (NM_004509.5, NM_001378443.1, NM_004510.4); c.1297+1G>C (NM_001378447.1).
Identifiers: ClinVar variation 4797596 (VCV004797596.1).